The following is an entry in ClinVar:

ClinVar aggregate classification (germline): Benign. Review status: criteria provided, multiple submitters, no conflicts (2 of 4 stars). 5 submissions from 5 submitters: Benign (5). Last evaluated 2024-11-26.

Conditions:
Erythrocytosis, familial, 4 (ECYT4). Identifiers: Orphanet 247511, MedGen C2673187, MONDO:0012729, OMIM 611783.

Allele frequency attached by ClinVar (database versions not stated): 1000 Genomes Project 0.22662; gnomAD 0.47004.

Submissions (5):

Blueprint Genetics
Classification: Benign. Last evaluated: 2024-11-26. Review status: criteria provided, single submitter. Criteria: ACMG Guidelines, 2015. Collection method: clinical testing. Allele origin: germline.

Mayo Clinic Laboratories, Mayo Clinic
Classification: Benign. Last evaluated: 2022-10-21. Review status: criteria provided, single submitter. Criteria: ACMG Guidelines, 2015. Collection method: clinical testing. Allele origin: germline. Observed: 202 variant alleles.

GeneDx
Classification: Benign. Last evaluated: 2018-06-22. Review status: criteria provided, single submitter. Criteria: GeneDx Variant Classification Process June 2021. Collection method: clinical testing. Allele origin: germline. Affected: yes.

Illumina Laboratory Services, Illumina
Classification: Benign for Erythrocytosis, familial, 4. Last evaluated: 2018-01-13. Review status: criteria provided, single submitter. Criteria: ICSL Variant Classification Criteria 13 December 2019. Collection method: clinical testing. Allele origin: germline.
Comment: This variant was observed in the ICSL laboratory as part of a predisposition screen in an ostensibly healthy population. It had not been previously curated by ICSL or reported in the Human Gene Mutation Database (HGMD: prior to June 1st, 2018), and was therefore a candidate for classification through an automated scoring system. Utilizing variant allele frequency, disease prevalence and penetrance estimates, and inheritance mode, an automated score was calculated to assess if this variant is too frequent to cause the disease. Based on the score and internal cut-off values, a variant classified as benign is not then subjected to further curation. The score for this variant resulted in a classification of benign for this disease.

Breakthrough Genomics
Classification: Benign. Review status: criteria provided, single submitter. Criteria: ACMG Guidelines, 2015. Collection method: not provided. Allele origin: germline. Inheritance: Autosomal dominant inheritance. Affected: yes.

NM_001430.5(EPAS1):c.218-9C>T

Gene: EPAS1 (endothelial PAS domain protein 1; plus strand). Cytogenetic location: 2p21.
Variant type: single nucleotide variant.
Coding change: c.218-9C>T on transcript NM_001430.5 (MANE Select); 9 bases into the intron before coding-DNA position 218, C replaced by T.
Molecular consequence: intron variant.
Genome position (GRCh38, 1-based): chr2:46,356,142, C>T. VCF-style: chr2-46356142-C-T. GRCh37 (hg19) VCF-style: chr2-46583281-C-T.
Other names: p.?.
Identifiers: ClinVar variation 336246 (VCV000336246.10), dbSNP rs75984373, ClinGen allele CA1644563.